The following is an entry in ClinVar:

ClinVar aggregate classification (germline): Uncertain significance. Review status: criteria provided, multiple submitters, no conflicts (2 of 4 stars). 4 submissions from 4 submitters: Uncertain significance (4). Last evaluated 2025-11-24.

Conditions:
Noonan syndrome 8 (NS8). Identifiers: Orphanet 648, MedGen C3809233, MONDO:0014143, OMIM 615355.
RIT1-related disorder. Also called: RIT1-related condition.
Cardiovascular phenotype. Identifiers: MedGen CN230736.

Allele frequency attached by ClinVar (database versions not stated): TOPMed below 0.00001; gnomAD 0.00001; gnomAD exomes 0.00001 and 0.00002; ExAC 0.00002.
gnomAD v4.1: 5 of 1,614,098 alleles (0.00031%); highest among the groups gnomAD compares: Admixed American, 0.0067%; no homozygotes.

Submissions (4):

Labcorp Genetics (formerly Invitae), Labcorp
Classification: Uncertain significance for Noonan syndrome 8. Last evaluated: 2025-11-24. Review status: criteria provided, single submitter. Criteria: Invitae Variant Classification Sherloc (09022015). Collection method: clinical testing. Allele origin: germline.
Comment: This sequence change replaces threonine, which is neutral and polar, with serine, which is neutral and polar, at codon 5 of the RIT1 protein (p.Thr5Ser). This variant is present in population databases (rs771768320, gnomAD 0.01%). This variant has not been reported in the literature in individuals affected with RIT1-related conditions. ClinVar contains an entry for this variant (Variation ID: 662410). Invitae Evidence Modeling incorporating data from in vitro experimental studies (internal data) indicates that this missense variant is not expected to disrupt RIT1 function with a negative predictive value of 95%. In summary, the available evidence is currently insufficient to determine the role of this variant in disease. Therefore, it has been classified as a Variant of Uncertain Significance.

PreventionGenetics, part of Exact Sciences
Classification: Uncertain significance for RIT1-related condition. Last evaluated: 2025-09-04. Review status: criteria provided, single submitter. Criteria: ACMG Guidelines, 2015. Collection method: clinical testing. Allele origin: germline.
Comment: The RIT1 c.64A>T variant is predicted to result in the amino acid substitution p.Thr22Ser. To our knowledge, this variant has not been reported in the literature. This variant is reported in 0.012% of alleles in individuals of Latino descent in gnomAD. At this time, the clinical significance of this variant is uncertain due to the absence of conclusive functional and genetic evidence.

Genome-Nilou Lab
Classification: Uncertain significance for Noonan syndrome 8. Last evaluated: 2023-04-11. Review status: criteria provided, single submitter. Criteria: ACMG Guidelines, 2015. Collection method: clinical testing. Allele origin: germline. Affected: no.

Ambry Genetics
Classification: Uncertain significance for Cardiovascular phenotype. Last evaluated: 2022-10-14. Review status: criteria provided, single submitter. Criteria: Ambry Variant Classification Scheme 2023. Collection method: clinical testing. Allele origin: germline.
Comment: The p.T5S variant (also known as c.13A>T), located in coding exon 1 of the RIT1 gene, results from an A to T substitution at nucleotide position 13. The threonine at codon 5 is replaced by serine, an amino acid with similar properties. This amino acid position is conserved. In addition, this alteration is predicted to be tolerated by in silico analysis. Since supporting evidence is limited at this time, the clinical significance of this alteration remains unclear.

NM_006912.6(RIT1):c.13A>T (p.Thr5Ser)

Gene: RIT1 (Ras like without CAAX 1; minus strand). Cytogenetic location: 1q22.
Variant type: single nucleotide variant.
Coding change: c.13A>T on transcript NM_006912.6 (MANE Select); coding-DNA position 13, A replaced by T.
Protein change: p.Thr5Ser; replaces threonine 5 with serine.
Molecular consequence: missense variant. On other transcripts: intron variant (1).
Genome position (GRCh38, 1-based): chr1:155,910,749, T>A on the plus strand (A>T on the coding strand, the complement: RIT1 is on the minus strand). VCF-style: chr1-155910749-T-A. GRCh37 (hg19) VCF-style: chr1-155880540-T-A.
Other names: c.13A>T, p.Thr5Ser (LRG_1372t1); c.64A>T, p.Thr22Ser (NM_001256821.2); c.-2-243A>T (NM_001256820.2); c.64A>T (NM_001256821.1); short protein forms T22S, T5S.
Identifiers: ClinVar variation 662410 (VCV000662410.12), dbSNP rs771768320, ClinGen allele CA1151911.
Genomic context (GRCh38, chr1:155,910,749, plus strand): 5'-CTAGTTTGTACTCCCGTGAGAGCCCAGCGGGGCTGCTACAGCAGCTACCAACTGGGCGAG[T>A]TCCAGAATCCATTGTCCTCTTGGGGCCTTCCTCGGTTGCCCCGAGGAAAAGCCACCTAGA-3'
Protein context (NP_008843.1, residues 1-15): MDSG[Thr5Ser]RPVGSCCSSP